The following is an entry in ClinVar:

NM_000059.4(BRCA2):c.1943del (p.Ser648fs)

Gene: BRCA2 (BRCA2 DNA repair associated; plus strand). Cytogenetic location: 13q13.1.
Variant type: Deletion.
Coding change: c.1943del on transcript NM_000059.4 (MANE Select); coding-DNA position 1943, one base deleted (C; older notation c.1943delC).
Protein change: p.Ser648fs; shifts the reading frame from serine 648.
Molecular consequence: frameshift variant.
Genome position (GRCh38, 1-based): chr13:32,336,298, C deleted. VCF-style (leftmost placement, unchanged base first): chr13-32336297-TC-T. GRCh37 (hg19) VCF-style: chr13-32910434-TC-T.
Other names: 2171delC; c.1943delC (NM_000059.3, NM_000059.4); short protein forms S648fs.
Identifiers: ClinVar variation 230600 (VCV000230600.20), dbSNP rs876658660, ClinGen allele CA10579517.
Genomic context (GRCh38, chr13:32,336,297, plus strand): 5'-TTTTGTCACTTTGTGTTTTTATGTTTAGGTTTATTGCATTCTTCTGTGAAAAGAAGCTGT[TC>T]ACAGAATGATTCTGAAGAACCAACTTTGTCCTTAACTAGCTCTTTTGGGACAATTCTGAG-3'

ClinVar aggregate classification (germline): Pathogenic. Review status: reviewed by expert panel (3 of 4 stars). 8 submissions from 8 submitters: Pathogenic (1). 7 of the submissions do not count toward it. Last evaluated 2017-12-15.

Conditions:
Hereditary cancer-predisposing syndrome. Also called: Hereditary Cancer Syndrome; Neoplastic Syndromes, Hereditary; Tumor predisposition; Hereditary neoplastic syndrome. Identifiers: Orphanet 140162, MedGen C0027672, MeSH D009386, MONDO:0015356.
Breast-ovarian cancer, familial, susceptibility to, 2 (BROVCA2). Also called: BRCA2 Hereditary Breast and Ovarian Cancer. Identifiers: Orphanet 145, MedGen C2675520, MONDO:0012933, OMIM 612555. Disease mechanism: loss of function.
Hereditary breast ovarian cancer syndrome. Also called: Hereditary breast and/or ovarian cancer syndrome; BRCA1- and BRCA2-Associated Hereditary Breast and Ovarian Cancer; Hereditary breast and ovarian cancer syndrome (HBOC); Hereditary breast and ovarian cancer; Hereditary breast and ovarian cancer syndrome; Breast and ovarian cancer. Identifiers: Orphanet 145, MedGen C0677776, MeSH D061325, MONDO:0003582. Disease mechanism: loss of function.
Familial cancer of breast. Also called: Hereditary breast cancer; hereditary breast carcinoma; BREAST CANCER, FAMILIAL. Identifiers: Orphanet 227535, MedGen C0346153, MONDO:0016419, OMIM 114480. Disease mechanism: loss of function.

Submissions (8):

Evidence-based Network for the Interpretation of Germline Mutant Alleles (ENIGMA)
Classification: Pathogenic for Breast-ovarian cancer, familial, susceptibility to, 2. Last evaluated: 2017-12-15. Review status: reviewed by expert panel. Criteria: ENIGMA BRCA1/2 Classification Criteria (2017-06-29). Collection method: curation. Allele origin: germline. Study: ENIGMA.
Comment: Variant allele predicted to encode a truncated non-functional protein.

Women's Health and Genetics/Laboratory Corporation of America, LabCorp
Classification: Pathogenic for Hereditary breast ovarian cancer syndrome. Last evaluated: 2025-01-13. Review status: criteria provided, single submitter. Criteria: LabCorp Variant Classification Summary - May 2015. Collection method: clinical testing. Allele origin: germline. Not counted in ClinVar's aggregate classification.
Comment: Variant summary: BRCA2 c.1943delC (p.Ser648TyrfsX12) results in a premature termination codon, predicted to cause a truncation of the encoded protein or absence of the protein due to nonsense mediated decay, which are commonly known mechanisms for disease. The variant was absent in 240878 control chromosomes. To our knowledge, no occurrence of c.1943delC in individuals affected with Hereditary Breast And Ovarian Cancer Syndrome and no experimental evidence demonstrating its impact on protein function have been reported. ClinVar contains an entry for this variant (Variation ID: 230600). Based on the evidence outlined above, the variant was classified as pathogenic.

Labcorp Genetics (formerly Invitae), Labcorp
Classification: Pathogenic for Hereditary breast ovarian cancer syndrome. Last evaluated: 2025-01-06. Review status: criteria provided, single submitter. Criteria: Invitae Variant Classification Sherloc (09022015). Collection method: clinical testing. Allele origin: germline. Not counted in ClinVar's aggregate classification.
Comment: This sequence change creates a premature translational stop signal (p.Ser648Tyrfs*12) in the BRCA2 gene. It is expected to result in an absent or disrupted protein product. Loss-of-function variants in BRCA2 are known to be pathogenic (PMID: 20104584). This variant is not present in population databases (gnomAD no frequency). This variant has not been reported in the literature in individuals affected with BRCA2-related conditions. ClinVar contains an entry for this variant (Variation ID: 230600). For these reasons, this variant has been classified as Pathogenic.

Ambry Genetics
Classification: Pathogenic for Hereditary cancer-predisposing syndrome. Last evaluated: 2024-09-24. Review status: criteria provided, single submitter. Criteria: Ambry Variant Classification Scheme 2023. Collection method: clinical testing. Allele origin: germline. Not counted in ClinVar's aggregate classification.
Comment: The c.1943delC pathogenic mutation, located in coding exon 10 of the BRCA2 gene, results from a deletion of one nucleotide at nucleotide position 1943, causing a translational frameshift with a predicted alternate stop codon (p.S648Yfs*12). This alteration is expected to result in loss of function by premature protein truncation or nonsense-mediated mRNA decay. As such, this alteration is interpreted as a disease-causing mutation.

Baylor Genetics
Classification: Likely pathogenic for Familial cancer of breast. Last evaluated: 2023-04-23. Review status: criteria provided, single submitter. Criteria: ACMG Guidelines, 2015. Collection method: clinical testing. Allele origin: unknown. Not counted in ClinVar's aggregate classification.

GeneDx
Classification: Pathogenic. Last evaluated: 2020-12-30. Review status: criteria provided, single submitter. Criteria: GeneDx Variant Classification Process June 2021. Collection method: clinical testing. Allele origin: germline. Affected: yes. Not counted in ClinVar's aggregate classification.
Comment: Frameshift variant predicted to result in protein truncation or nonsense mediated decay in a gene for which loss-of-function is a known mechanism of disease; Truncating variants in this gene are considered pathogenic by a well-established clinical consortium and/or database; Has not been previously published as pathogenic or benign to our knowledge; Not observed in large population cohorts (Lek 2016); Also known as 2171delC

Color Diagnostics, LLC DBA Color Health
Classification: Pathogenic for Hereditary cancer-predisposing syndrome. Last evaluated: 2020-01-15. Review status: criteria provided, single submitter. Criteria: ACMG Guidelines, 2015. Collection method: clinical testing. Allele origin: germline. Not counted in ClinVar's aggregate classification.
Comment: This variant deletes 1 nucleotide in exon 11 of the BRCA2 gene, creating a frameshift and premature translation stop signal. This variant is expected to result in an absent or non-functional protein product. This variant has not been identified in the general population by the Genome Aggregation Database (gnomAD). Loss of BRCA2 function is a known mechanism of disease. Based on the available evidence, this variant is classified as Pathogenic.

Sharing Clinical Reports Project (SCRP)
Classification: Pathogenic for Breast-ovarian cancer, familial 2. Last evaluated: 2010-07-20. Review status: no assertion criteria provided. Collection method: clinical testing. Allele origin: germline. Not counted in ClinVar's aggregate classification.

Literature cited by the submitters: PubMed 20104584 (cited by Labcorp Genetics (formerly Invitae), Labcorp).